The following is an entry in ClinVar:

ClinVar aggregate classification (germline): Uncertain significance. Review status: criteria provided, multiple submitters, no conflicts (2 of 4 stars). 2 submissions from 2 submitters: Uncertain significance (2). Last evaluated 2023-03-31.

Conditions:
Schuurs-Hoeijmakers syndrome. Also called: PACS1-Related Neurodevelopmental Disorder. Identifiers: Orphanet 329224, MedGen C3554343, MONDO:0014006, OMIM 615009.
Inborn genetic diseases. Identifiers: MedGen C0950123, MeSH D030342.

Allele frequency attached by ClinVar (database versions not stated): gnomAD exomes below 0.00001; TOPMed below 0.00001; ExAC 0.00001.
gnomAD v4.1: 3 of 1,612,748 alleles (0.00019%); highest among the groups gnomAD compares: Admixed American, 0.0017%; no homozygotes.

Submissions (2):

Labcorp Genetics (formerly Invitae), Labcorp
Classification: Uncertain significance for Schuurs-Hoeijmakers syndrome. Last evaluated: 2023-03-31. Review status: criteria provided, single submitter. Criteria: Invitae Variant Classification Sherloc (09022015). Collection method: clinical testing. Allele origin: germline.
Comment: In summary, the available evidence is currently insufficient to determine the role of this variant in disease. Therefore, it has been classified as a Variant of Uncertain Significance. An algorithm developed to predict the effect of missense changes on protein structure and function (PolyPhen-2) suggests that this variant is likely to be disruptive. ClinVar contains an entry for this variant (Variation ID: 1761934). This variant has not been reported in the literature in individuals affected with PACS1-related conditions. This variant is not present in population databases (gnomAD no frequency). This sequence change replaces arginine, which is basic and polar, with cysteine, which is neutral and slightly polar, at codon 270 of the PACS1 protein (p.Arg270Cys).

Ambry Genetics
Classification: Uncertain significance for Inborn genetic diseases. Last evaluated: 2017-10-27. Review status: criteria provided, single submitter. Criteria: Ambry Variant Classification Scheme 2023. Collection method: clinical testing. Allele origin: germline.
Comment: The p.R270C variant (also known as c.808C>T), located in coding exon 6 of the PACS1 gene, results from a C to T substitution at nucleotide position 808. The arginine at codon 270 is replaced by cysteine, an amino acid with highly dissimilar properties. This amino acid position is highly conserved in available vertebrate species. In addition, the in silico prediction for this alteration is inconclusive. Since supporting evidence is limited at this time, the clinical significance of this alteration remains unclear.

NM_018026.4(PACS1):c.808C>T (p.Arg270Cys)

Gene: PACS1 (phosphofurin acidic cluster sorting protein 1; plus strand). Cytogenetic location: 11q13.2.
Variant type: single nucleotide variant.
Coding change: c.808C>T on transcript NM_018026.4 (MANE Select); coding-DNA position 808, C replaced by T.
Protein change: p.Arg270Cys; replaces arginine 270 with cysteine.
Molecular consequence: missense variant.
Genome position (GRCh38, 1-based): chr11:66,216,522, C>T. VCF-style: chr11-66216522-C-T. GRCh37 (hg19) VCF-style: chr11-65983993-C-T.
Other names: short protein forms R270C.
Identifiers: ClinVar variation 1761934 (VCV001761934.3), dbSNP rs760699901, ClinGen allele CA6116361.